The following is an entry in ClinVar:

ClinVar aggregate classification (germline): Conflicting classifications of pathogenicity. Review status: criteria provided, conflicting classifications (1 of 4 stars). 5 submissions from 5 submitters: Likely pathogenic (1); Uncertain significance (4). Last evaluated 2025-07-28.

Conditions:
RYR2-related disorder. Also called: RYR2-related condition.
Ventricular arrhythmias due to cardiac ryanodine receptor calcium release deficiency syndrome. Also called: Autosomal dominant cardiac arrhythmia (Kuhn). Identifiers: MedGen C5542154, MONDO:0020745, OMIM 115000.
Cardiovascular phenotype. Identifiers: MedGen CN230736.
Cardiomyopathy (CMYO). Also called: Cardiomyopathies. Identifiers: Orphanet 167848, MedGen C0878544, MONDO:0004994, HP:0001638. Inheritance: Various modes of inheritance.
Catecholaminergic polymorphic ventricular tachycardia 1. Also called: VENTRICULAR TACHYCARDIA, CATECHOLAMINERGIC POLYMORPHIC, 1, WITH OR WITHOUT ATRIAL DYSFUNCTION AND/OR DILATED CARDIOMYOPATHY; RYR2-Related Catecholaminergic Polymorphic Ventricular Tachycardia; VENTRICULAR TACHYCARDIA, STRESS-INDUCED POLYMORPHIC 1. Identifiers: Orphanet 3286, MedGen C1631597, MONDO:0011484, OMIM 604772.

Allele frequency attached by ClinVar (database versions not stated): gnomAD exomes below 0.00001 and 0.00001; gnomAD 0.00001.
gnomAD v4.1: 4 of 1,613,978 alleles (0.00025%); highest among the groups gnomAD compares: Admixed American, 0.0017%; no homozygotes.

Submissions (5):

Color Diagnostics, LLC DBA Color Health
Classification: Uncertain significance for Cardiomyopathy. Last evaluated: 2025-07-28. Review status: criteria provided, single submitter. Criteria: ACMG Guidelines, 2015. Collection method: clinical testing. Allele origin: germline.
Comment: This missense variant replaces glutamic acid with lysine at codon 1091 of the RYR2 protein. Computational prediction suggests that this variant may have a deleterious impact on protein structure and function. To our knowledge, functional studies have not been reported for this variant. This variant has not been reported in individuals affected with RYR2-related disorders in the literature. This variant has been identified in 2/249062 chromosomes in the general population by the Genome Aggregation Database (gnomAD). The available evidence is insufficient to determine the role of this variant in disease conclusively. Therefore, this variant is classified as a Variant of Uncertain Significance.

Labcorp Genetics (formerly Invitae), Labcorp
Classification: Uncertain significance for Catecholaminergic polymorphic ventricular tachycardia 1. Last evaluated: 2024-09-17. Review status: criteria provided, single submitter. Criteria: Invitae Variant Classification Sherloc (09022015). Collection method: clinical testing. Allele origin: germline.
Comment: This sequence change replaces glutamic acid, which is acidic and polar, with lysine, which is basic and polar, at codon 1091 of the RYR2 protein (p.Glu1091Lys). This variant is present in population databases (rs730880191, gnomAD 0.003%). This missense change has been observed in individual(s) with clinical features of RYR2-related conditions (PMID: 35877578). ClinVar contains an entry for this variant (Variation ID: 180493). Invitae Evidence Modeling of protein sequence and biophysical properties (such as structural, functional, and spatial information, amino acid conservation, physicochemical variation, residue mobility, and thermodynamic stability) has been performed for this missense variant. However, the output from this modeling did not meet the statistical confidence thresholds required to predict the impact of this variant on RYR2 protein function. In summary, the available evidence is currently insufficient to determine the role of this variant in disease. Therefore, it has been classified as a Variant of Uncertain Significance.

Human Genetics Bochum, Ruhr University Bochum
Classification: Uncertain significance for Ventricular arrhythmias due to cardiac ryanodine receptor calcium release deficiency syndrome. Last evaluated: 2023-07-20. Review status: criteria provided, single submitter. Criteria: ACMG Guidelines, 2015. Collection method: clinical testing. Allele origin: germline. Affected: yes.
Comment: ACMG criteria used to clasify this variant: PP3_STR, PM2_SUP

Blueprint Genetics
Classification: Likely pathogenic for RYR2-related disorders. Last evaluated: 2019-12-05. Review status: criteria provided, single submitter. Criteria: ACMG Guidelines, 2015. Collection method: clinical testing. Allele origin: germline. Affected: yes. Observed: 2 variant alleles.

Ambry Genetics
Classification: Uncertain significance for Cardiovascular phenotype. Last evaluated: 2019-05-31. Review status: criteria provided, single submitter. Criteria: Ambry Variant Classification Scheme 2023. Collection method: clinical testing. Allele origin: germline.
Comment: The p.E1091K variant (also known as c.3271G>A), located in coding exon 28 of the RYR2 gene, results from a G to A substitution at nucleotide position 3271. The glutamic acid at codon 1091 is replaced by lysine, an amino acid with similar properties. This amino acid position is highly conserved in available vertebrate species. In addition, this alteration is predicted to be deleterious by in silico analysis. Since supporting evidence is limited at this time, the clinical significance of this alteration remains unclear.

Literature cited by the submitters: PubMed 35877578 (cited by Labcorp Genetics (formerly Invitae), Labcorp).

NM_001035.3(RYR2):c.3271G>A (p.Glu1091Lys)

Gene: RYR2 (ryanodine receptor 2; plus strand). Cytogenetic location: 1q43.
Variant type: single nucleotide variant.
Coding change: c.3271G>A on transcript NM_001035.3 (MANE Select); coding-DNA position 3271, G replaced by A.
Protein change: p.Glu1091Lys; replaces glutamic acid 1091 with lysine.
Molecular consequence: missense variant.
Genome position (GRCh38, 1-based): chr1:237,566,623, G>A. VCF-style: chr1-237566623-G-A. GRCh37 (hg19) VCF-style: chr1-237729923-G-A.
Other names: c.3271G>A, p.Glu1091Lys (LRG_402t1); short protein forms E1091K.
Identifiers: ClinVar variation 180493 (VCV000180493.12), dbSNP rs730880191, ClinGen allele CA009166.